The following is an entry in ClinVar:

NM_000466.3(PEX1):c.159C>T (p.His53=)

Gene: PEX1 (peroxisomal biogenesis factor 1; minus strand). Cytogenetic location: 7q21.2.
Variant type: single nucleotide variant.
Coding change: c.159C>T on transcript NM_000466.3 (MANE Select); coding-DNA position 159, C replaced by T.
Protein change: p.His53=; no amino-acid change (histidine 53 retained).
Molecular consequence: synonymous variant. On other transcripts: 5 prime UTR variant (1).
Genome position (GRCh38, 1-based): chr7:92,522,216, G>A on the plus strand (C>T on the coding strand, the complement: PEX1 is on the minus strand). VCF-style: chr7-92522216-G-A. GRCh37 (hg19) VCF-style: chr7-92151530-G-A.
Other names: c.159C>T, p.His53= (NM_001282677.2); c.-501C>T (NM_001282678.2); c.159C>T (NM_000466.2).
Identifiers: ClinVar variation 1141981 (VCV001141981.37), dbSNP rs200950057, ClinGen allele CA4341671.

ClinVar aggregate classification (germline): Likely benign. Review status: criteria provided, multiple submitters, no conflicts (2 of 4 stars). 4 submissions from 4 submitters: Likely benign (3). 1 of the submissions does not count toward it. Last evaluated 2025-12-13.

Conditions:
Zellweger spectrum disorders (ZS). Also called: Zellweger Spectrum Disorder; Zellweger Spectrum; Zellweger syndrome; Zellweger Spectrum Disorder (ZSD). Identifiers: Orphanet 912, MedGen C0043459, MONDO:0019609.
PEX1-related disorder. Also called: PEX1-related condition.

Allele frequency attached by ClinVar (database versions not stated): gnomAD exomes 0.00001 and 0.00003; ExAC 0.00005; ESP Exome Variant Server 0.00008; gnomAD 0.00014; 1000 Genomes Project 30x 0.00016; TOPMed 0.00017; 1000 Genomes Project 0.00020.
gnomAD v4.1: 40 of 1,614,060 alleles (0.0025%); highest among the groups gnomAD compares: African/African-American, 0.045%; no homozygotes.

Submissions (4):

Labcorp Genetics (formerly Invitae), Labcorp
Classification: Likely benign for Zellweger spectrum disorders. Last evaluated: 2025-12-13. Review status: criteria provided, single submitter. Criteria: Invitae Variant Classification Sherloc (09022015). Collection method: clinical testing. Allele origin: germline.

PreventionGenetics, part of Exact Sciences
Classification: Likely benign for PEX1-related condition. Last evaluated: 2025-09-15. Review status: criteria provided, single submitter. Criteria: ACMG Guidelines, 2015. Collection method: clinical testing. Allele origin: germline.
Comment: This variant is classified as likely benign based on ACMG/AMP sequence variant interpretation guidelines (Richards et al. 2015 PMID: 25741868, with internal and published modifications).

CeGaT Center for Human Genetics Tuebingen
Classification: Likely benign. Last evaluated: 2022-03-01. Review status: criteria provided, single submitter. Criteria: CeGaT Center For Human Genetics Tuebingen Variant Classification Criteria Version 2. Collection method: clinical testing. Allele origin: germline. Affected: yes. Observed: 1 variant allele.
Comment: PEX1: BP4, BP7

Natera, Inc.
Classification: Likely benign for Zellweger syndrome. Last evaluated: 2021-08-16. Review status: no assertion criteria provided. Collection method: clinical testing. Allele origin: germline. Not counted in ClinVar's aggregate classification.